The following is an entry in ClinVar:

NM_001042472.3(ABHD12):c.348dup (p.Pro117fs)

Gene: ABHD12 (abhydrolase domain containing 12, lysophospholipase; minus strand). Cytogenetic location: 20p11.21.
Variant type: Duplication.
Coding change: c.348dup on transcript NM_001042472.3 (MANE Select); coding-DNA position 348, one base duplicated (A; older notation c.348dupA).
Protein change: p.Pro117fs; shifts the reading frame from proline 117.
Molecular consequence: frameshift variant.
Genome position (GRCh38, 1-based): chr20:25,323,399, T duplicated on the plus strand (A on the coding strand, the reverse complement: ABHD12 is on the minus strand); the first of 6 consecutive T bases (chr20:25,323,399-25,323,404); duplicating any one gives the same sequence. VCF-style (leftmost placement, unchanged base first): chr20-25323398-G-GT. GRCh37 (hg19) VCF-style: chr20-25304034-G-GT.
Other names: c.348dup, p.Pro117fs (NM_015600.5); short protein forms P117fs.
Identifiers: ClinVar variation 2430761 (VCV002430761.1), dbSNP rs1437025228, ClinGen allele CA634936346.

ClinVar aggregate classification (germline): Likely pathogenic (1 of 4 stars; one submission).

Submission:

GeneDx
Classification: Likely pathogenic. Last evaluated: 2022-02-25. Review status: criteria provided, single submitter. Criteria: GeneDx Variant Classification Process June 2021. Collection method: clinical testing. Allele origin: germline. Affected: yes.
Comment: Frameshift variant predicted to result in protein truncation or nonsense mediated decay in a gene for which loss-of-function is a known mechanism of disease; Not observed at significant frequency in large population cohorts (gnomAD); Has not been previously published as pathogenic or benign to our knowledge